The following is an entry in ClinVar:

ClinVar aggregate classification (germline): Benign. Review status: criteria provided, multiple submitters, no conflicts (2 of 4 stars). 3 submissions from 3 submitters: Benign (2). 1 of the submissions does not count toward it. Last evaluated 2019-12-31.

Conditions:
PLEKHA7-related disorder. Also called: PLEKHA7-related condition.

Allele frequency attached by ClinVar (database versions not stated): gnomAD exomes 0.00164 and 0.00388; ExAC 0.00475; gnomAD 0.01461 and 0.01601; ESP Exome Variant Server 0.01671; TOPMed 0.01689; 1000 Genomes Project 0.01717; 1000 Genomes Project 30x 0.01765.
gnomAD v4.1: 4,724 of 1,613,870 alleles (0.29%); highest among the groups gnomAD compares: African/African-American, 5.1%; 109 homozygotes.

Submissions (3):

Labcorp Genetics (formerly Invitae), Labcorp
Classification: Benign. Last evaluated: 2019-12-31. Review status: criteria provided, single submitter. Criteria: Invitae Variant Classification Sherloc (09022015). Collection method: clinical testing. Allele origin: germline.

Breakthrough Genomics
Classification: Benign. Review status: criteria provided, single submitter. Criteria: ACMG Guidelines, 2015. Collection method: not provided. Allele origin: germline. Inheritance: Unknown mechanism. Affected: yes.

PreventionGenetics, part of Exact Sciences
Classification: Benign for PLEKHA7-related condition. Last evaluated: 2019-02-18. Review status: no assertion criteria provided. Collection method: clinical testing. Allele origin: germline. Not counted in ClinVar's aggregate classification.
Comment: This variant is classified as benign based on ACMG/AMP sequence variant interpretation guidelines (Richards et al. 2015 PMID: 25741868, with internal and published modifications).

NM_001329630.2(PLEKHA7):c.1455G>A (p.Ser485=)

Gene: PLEKHA7 (pleckstrin homology domain containing A7; minus strand). Cytogenetic location: 11p15.2.
Variant type: single nucleotide variant.
Coding change: c.1455G>A on transcript NM_001329630.2 (MANE Select); coding-DNA position 1455, G replaced by A.
Protein change: p.Ser485=; no amino-acid change (serine 485 retained).
Molecular consequence: synonymous variant.
Genome position (GRCh38, 1-based): chr11:16,817,211, C>T on the plus strand (G>A on the coding strand, the complement: PLEKHA7 is on the minus strand). VCF-style: chr11-16817211-C-T. GRCh37 (hg19) VCF-style: chr11-16838758-C-T.
Other names: c.1455G>A, p.Ser485= (NM_001329631.2, NM_175058.5).
Identifiers: ClinVar variation 790086 (VCV000790086.7), dbSNP rs35497498, ClinGen allele CA5899446.
Genomic context (GRCh38, chr11:16,817,211, plus strand): 5'-CAGGTGGCTGGCTCGGTCCTGCGCATACTTGTAGTCACTTGGCAGGTTTCGGGGAGGTGG[C>T]GAGGAGCCCCCCGAGGGGTGTCGGGTGCTCTTGGGAAGAGTCTGGTAGTTTTCTGGGAAG-3'
Protein context (NP_001316559.1, residues 475-495): KSTRHPSGGS[Ser485=]PPPRNLPSDY